The following is an entry in ClinVar:

ClinVar aggregate classification (germline): Pathogenic (1 of 4 stars; one submission).

Conditions:
Cortical dysplasia-focal epilepsy syndrome (PTHSL1). Also called: Pitt-Hopkins-like syndrome 1. Identifiers: Orphanet 163681, Orphanet 221150, MedGen C2750246, MONDO:0012400, OMIM 610042.

Submission:

Labcorp Genetics (formerly Invitae), Labcorp
Classification: Pathogenic for Cortical dysplasia-focal epilepsy syndrome. Last evaluated: 2018-08-28. Review status: criteria provided, single submitter. Criteria: Invitae Variant Classification Sherloc (09022015). Collection method: clinical testing. Allele origin: germline.
Comment: This variant is a gross deletion of the genomic region encompassing exon 1 of the CNTNAP2 gene, which includes the initiator codon. The 5' end of this event is unknown as it extends beyond the assayed region for this gene and therefore may encompass additional genes. The 3' boundary is likely confined to intron 1 of the CNTNAP2 gene. This is expected to result in an absent or disrupted protein product. A similar deletion of exon 1 has been reported in combination with a second CNTNAP2 variant in individuals affected with intellectual disability, early onset epilepsy, and behavioral anomalies (PMID: 27439707). Loss-of-function variants in CNTNAP2 are known to be pathogenic (PMID: 19896112, 25045150, 26843181). For these reasons, this variant has been classified as Pathogenic.

Literature cited by the submitters: PubMed 27439707.

NC_000007.14:g.(?_146116001)_(146116993_?)del

Gene: CNTNAP2 (contactin associated protein 2; plus strand). Cytogenetic location: 7q35.
Variant type: Deletion.
Identifiers: ClinVar variation 468413 (VCV000468413.2).